The following is an entry in ClinVar:

ClinVar aggregate classification (germline): Uncertain significance (3 of 4 stars; one submission).

Conditions:
Glanzmann thrombasthenia. Also called: Glanzmann's thrombasthenia; PLATELET GLYCOPROTEIN IIb-IIIa DEFICIENCY; BLEEDING DISORDER, PLATELET-TYPE, 2; THROMBASTHENIA OF GLANZMANN AND NAEGELI; Thrombasthenia. Identifiers: Orphanet 849, MedGen C0040015, MONDO:0100326.

Submission:

ClinGen Platelet Disorders Variant Curation Expert Panel, ClinGen
Classification: Uncertain significance for Glanzmann thrombasthenia. Last evaluated: 2024-03-07. Review status: reviewed by expert panel. Criteria: ClinGen Platelet ACMG Specifications v2-1. Collection method: curation. Allele origin: germline. Inheritance: Autosomal recessive inheritance.
Comment: The ITGB3 splice donor region variant NM_000212.3:c.1125+3_1125+6del located at the 3' end of exon 8/5' end of intron 8 is predicted by multiple in silico splicing tools, including SpliceAI, to disrupt the canonical splice donor site (PP3). This variant has been observed in heterozygosity in an individual suspected to have Glanzmann's thrombasthenia (GT) (CabGT-25 in PMID: 20020534), however sufficient information to confirm if the individual's phenotype is specific for GT was not provided and a second ITGB3 variant was not identified. The variant is also absent from control population databases, including gnomADv4.0. In summary, this variant is of uncertain significance and lacks sufficient evidence to be classified as pathogenic or benign for GT. GT-specific criteria applied: PM2_supporting, PP3.

NM_000212.3(ITGB3):c.1125+3_1125+6del

Gene: ITGB3 (integrin subunit beta 3; plus strand). Cytogenetic location: 17q21.32.
Variant type: Deletion.
Coding change: c.1125+3_1125+6del on transcript NM_000212.3 (MANE Select); bases 3 to 6 of the intron after coding-DNA position 1125, 4 bases deleted (AAGT; older notation c.1125+3_1125+6delAAGT).
Molecular consequence: splice donor variant.
Genome position (GRCh38, 1-based): chr17:47,290,277-47,290,280, AAGT deleted; deleting any 4 consecutive bases within chr17:47,290,275-47,290,280 gives the same sequence; the c. name uses the placement nearest the transcript's 3' end. VCF-style (leftmost placement, unchanged base first): chr17-47290274-GGTAA-G. GRCh37 (hg19) VCF-style: chr17-45367640-GGTAA-G.
Identifiers: ClinVar variation 996205 (VCV000996205.3), dbSNP rs76562369, ClinGen allele CA291225439.